The following is an entry in ClinVar:

ClinVar aggregate classification (germline): Pathogenic (1 of 4 stars; one submission).

Submission:

Labcorp Genetics (formerly Invitae), Labcorp
Classification: Pathogenic. Last evaluated: 2024-04-13. Review status: criteria provided, single submitter. Criteria: Invitae Variant Classification Sherloc (09022015). Collection method: clinical testing. Allele origin: germline.
Comment: This sequence change creates a premature translational stop signal (p.Val1285Cysfs*74) in the ABCC6 gene. It is expected to result in an absent or disrupted protein product. Loss-of-function variants in ABCC6 are known to be pathogenic (PMID: 11536079, 17617515). This variant is not present in population databases (gnomAD no frequency). This variant has not been reported in the literature in individuals affected with ABCC6-related conditions. For these reasons, this variant has been classified as Pathogenic.

Literature cited by the submitters: PubMed 11536079; PubMed 17617515.

NM_001171.6(ABCC6):c.3852del (p.Val1285fs)

Gene: ABCC6 (ATP binding cassette subfamily C member 6; minus strand). Cytogenetic location: 16p13.11.
Variant type: Deletion.
Coding change: c.3852del on transcript NM_001171.6 (MANE Select); coding-DNA position 3852, one base deleted (C; older notation c.3852delC).
Protein change: p.Val1285fs; shifts the reading frame from valine 1285.
Molecular consequence: frameshift variant. On other transcripts: non-coding transcript variant (1).
Genome position (GRCh38, 1-based): chr16:16,157,693, G deleted on the plus strand (C on the coding strand, the reverse complement: ABCC6 is on the minus strand). VCF-style (leftmost placement, unchanged base first): chr16-16157692-CG-C. GRCh37 (hg19) VCF-style: chr16-16251549-CG-C.
Other names: c.3510del, p.Val1171fs (NM_001351800.1); short protein forms V1171fs, V1285fs.
Identifiers: ClinVar variation 3649792 (VCV003649792.2).